The following is an entry in ClinVar:

ClinVar aggregate classification (germline): Likely pathogenic. Review status: criteria provided, multiple submitters, no conflicts (2 of 4 stars). 3 submissions from 3 submitters: Likely pathogenic (2). 1 of the submissions does not count toward it. Last evaluated 2022-11-22.

Conditions:
Severe early-childhood-onset retinal dystrophy (STGD1). Also called: STGD; Stargardt macular dystrophy; Juvenile onset macular degeneration; Stargardt disease 1; MACULAR DYSTROPHY WITH FLECKS, TYPE 1. Identifiers: Orphanet 364055, Orphanet 827, MedGen C1855465, MeSH D000080362, MONDO:0009549, OMIM 248200.
ABCA4-related disorder. Also called: ABCA4-related disorders; ABCA4-related condition. Identifiers: MedGen CN239167.

Submissions (3):

Labcorp Genetics (formerly Invitae), Labcorp
Classification: Likely pathogenic. Last evaluated: 2022-11-22. Review status: criteria provided, single submitter. Criteria: Invitae Variant Classification Sherloc (09022015). Collection method: clinical testing. Allele origin: germline.
Comment: This variant is not present in population databases (gnomAD no frequency). This missense change has been observed in individual(s) with macular dystrophy (PMID: 26355662). ClinVar contains an entry for this variant (Variation ID: 1480040). This variant disrupts the p.Trp1618 amino acid residue in ABCA4. Other variant(s) that disrupt this residue have been determined to be pathogenic (PMID: 31736247; Invitae). This suggests that this residue is clinically significant, and that variants that disrupt this residue are likely to be disease-causing. In summary, the currently available evidence indicates that the variant is pathogenic, but additional data are needed to prove that conclusively. Therefore, this variant has been classified as Likely Pathogenic. Advanced modeling of protein sequence and biophysical properties (such as structural, functional, and spatial information, amino acid conservation, physicochemical variation, residue mobility, and thermodynamic stability) performed at Invitae indicates that this missense variant is expected to disrupt ABCA4 protein function. This sequence change replaces tryptophan, which is neutral and slightly polar, with arginine, which is basic and polar, at codon 1618 of the ABCA4 protein (p.Trp1618Arg).

Blueprint Genetics
Classification: Likely pathogenic for ABCA4-related disorders. Last evaluated: 2022-05-06. Review status: criteria provided, single submitter. Criteria: ACMG Guidelines, 2015. Collection method: clinical testing. Allele origin: germline. Affected: yes. Observed: 1 variant allele.

Ophthalmo-Genetics Lab, Instituto de Oftalmologia Conde de Valenciana
Classification: Pathogenic for Severe early-childhood-onset retinal dystrophy. Review status: no assertion criteria provided. Collection method: research. Allele origin: germline. Inheritance: Autosomal recessive inheritance. Affected: yes. Not counted in ClinVar's aggregate classification.

Literature cited by the submitters: PubMed 26355662 (cited by Labcorp Genetics (formerly Invitae), Labcorp); PubMed 31736247 (cited by Labcorp Genetics (formerly Invitae), Labcorp and Ophthalmo-Genetics Lab, Instituto de Oftalmologia Conde de Valenciana).

NM_000350.3(ABCA4):c.4852T>C (p.Trp1618Arg)

Genes: ABCA4 (ATP binding cassette subfamily A member 4; minus strand), LOC126805793 (CDK7 strongly-dependent group 2 enhancer GRCh37_chr1:94486302-94487501; plus strand). Cytogenetic location: 1p22.1.
Variant type: single nucleotide variant.
Coding change: c.4852T>C on transcript NM_000350.3 (MANE Select); coding-DNA position 4852, T replaced by C.
Protein change: p.Trp1618Arg; replaces tryptophan 1618 with arginine.
Molecular consequence: missense variant.
Genome position (GRCh38, 1-based): chr1:94,021,406, A>G on the plus strand (T>C on the coding strand, the complement: ABCA4 is on the minus strand). VCF-style: chr1-94021406-A-G. GRCh37 (hg19) VCF-style: chr1-94486962-A-G.
Other names: c.4630T>C, p.Trp1544Arg (NM_001425324.1); short protein forms W1618R, W1544R.
Identifiers: ClinVar variation 1480040 (VCV001480040.8), dbSNP rs786205446, ClinGen allele CA341283239.